The following is an entry in ClinVar:

NM_004453.4(ETFDH):c.56del (p.Ala18_Leu19insTer)

Gene: ETFDH (electron transfer flavoprotein dehydrogenase; plus strand). Cytogenetic location: 4q32.1.
Variant type: Deletion.
Coding change: c.56del on transcript NM_004453.4 (MANE Select); coding-DNA position 56, one base deleted (T; older notation c.56delT).
Protein change: p.Ala18_Leu19insTer.
Molecular consequence: nonsense. On other transcripts: intron variant (1).
Genome position (GRCh38, 1-based): chr4:158,680,488, T deleted; the last of 2 consecutive T bases (chr4:158,680,487-158,680,488); deleting either gives the same sequence. VCF-style (leftmost placement, unchanged base first): chr4-158680486-CT-C. GRCh37 (hg19) VCF-style: chr4-159601638-CT-C.
Other names: c.56delT (NM_004453.3); c.35-1707del (NM_001281737.2).
Identifiers: ClinVar variation 1386521 (VCV001386521.8), dbSNP rs2150304339, ClinGen allele CA2573138093.

ClinVar aggregate classification (germline): Pathogenic/Likely pathogenic. Review status: criteria provided, multiple submitters, no conflicts (2 of 4 stars). 3 submissions from 3 submitters: Pathogenic (1); Likely pathogenic (2). Last evaluated 2025-12-11.

Conditions:
Glutaric acidemia type 2C.
Multiple acyl-CoA dehydrogenase deficiency (MADD). Also called: Glutaric acidemia type II; GA 2; Glutaric Acidemia type 2; Glutaric aciduria, type 2; ETHYLMALONIC-ADIPICACIDURIA; GA II. Identifiers: Orphanet 26791, MedGen C0268596, MONDO:0009282, OMIM 231680.

Submissions (3):

Natera, Inc.
Classification: Likely pathogenic for Glutaric acidemia type 2C. Last evaluated: 2025-12-11. Review status: criteria provided, single submitter. Criteria: Natera Variant Classification Schema (03/2026). Collection method: clinical testing. Allele origin: germline.
Comment: The c.56delT variant in ETFDH is a frameshift variant predicted to shift the reading frame and introduce a stop codon. This variant is expected to result in nonsense mediated decay, truncation, or a dysfunctional protein product. This variant is rare in the general population with a frequency below the threshold expected for the associated phenotype(s). Given the available evidence, this variant is classified as Likely Pathogenic.

Labcorp Genetics (formerly Invitae), Labcorp
Classification: Pathogenic for Multiple acyl-CoA dehydrogenase deficiency. Last evaluated: 2023-10-09. Review status: criteria provided, single submitter. Criteria: Invitae Variant Classification Sherloc (09022015). Collection method: clinical testing. Allele origin: germline.
Comment: This sequence change creates a premature translational stop signal (p.Leu19*) in the ETFDH gene. It is expected to result in an absent or disrupted protein product. Loss-of-function variants in ETFDH are known to be pathogenic (PMID: 16510302, 23785301). This variant is not present in population databases (gnomAD no frequency). This variant has not been reported in the literature in individuals affected with ETFDH-related conditions. ClinVar contains an entry for this variant (Variation ID: 1386521). For these reasons, this variant has been classified as Pathogenic.

Baylor Genetics
Classification: Likely pathogenic for Multiple acyl-CoA dehydrogenase deficiency. Last evaluated: 2023-05-15. Review status: criteria provided, single submitter. Criteria: ACMG Guidelines, 2015. Collection method: clinical testing. Allele origin: unknown.

Literature cited by the submitters: PubMed 16510302 (cited by Labcorp Genetics (formerly Invitae), Labcorp); PubMed 23785301 (cited by Labcorp Genetics (formerly Invitae), Labcorp).